The following is an entry in ClinVar:

NM_152594.3(SPRED1):c.424-2A>T

Gene: SPRED1 (sprouty related EVH1 domain containing 1; plus strand). Cytogenetic location: 15q14.
Variant type: single nucleotide variant.
Coding change: c.424-2A>T on transcript NM_152594.3 (MANE Select); the canonical splice acceptor site of the intron before coding-DNA position 424, A replaced by T.
Molecular consequence: splice acceptor variant.
Genome position (GRCh38, 1-based): chr15:38,339,735, A>T. VCF-style: chr15-38339735-A-T. GRCh37 (hg19) VCF-style: chr15-38631936-A-T.
Identifiers: ClinVar variation 2801901 (VCV002801901.3), dbSNP rs2542723522, ClinGen allele CA391932394.

ClinVar aggregate classification (germline): Likely pathogenic (1 of 4 stars; one submission).

Conditions:
Legius syndrome. Identifiers: Orphanet 137605, MedGen C1969623, MONDO:0012669, OMIM 611431. Disease mechanism: loss of function.

Submission:

Labcorp Genetics (formerly Invitae), Labcorp
Classification: Likely pathogenic for Legius syndrome. Last evaluated: 2023-12-05. Review status: criteria provided, single submitter. Criteria: Invitae Variant Classification Sherloc (09022015). Collection method: clinical testing. Allele origin: germline.
Comment: This sequence change affects an acceptor splice site in intron 4 of the SPRED1 gene. It is expected to disrupt RNA splicing. Variants that disrupt the donor or acceptor splice site typically lead to a loss of protein function (PMID: 16199547), and loss-of-function variants in SPRED1 are known to be pathogenic (PMID: 17704776). This variant is not present in population databases (gnomAD no frequency). This variant has not been reported in the literature in individuals affected with SPRED1-related conditions. Algorithms developed to predict the effect of sequence changes on RNA splicing suggest that this variant may disrupt the consensus splice site. In summary, the currently available evidence indicates that the variant is pathogenic, but additional data are needed to prove that conclusively. Therefore, this variant has been classified as Likely Pathogenic.

Literature cited by the submitters: PubMed 16199547; PubMed 17704776.